The following is an entry in ClinVar:

ClinVar aggregate classification (germline): Uncertain significance. Review status: criteria provided, multiple submitters, no conflicts (2 of 4 stars). 2 submissions from 2 submitters: Uncertain significance (2). Last evaluated 2026-02-11.

Conditions:
Monosomy 7 myelodysplasia and leukemia syndrome 2. Identifiers: MedGen C5436668, MONDO:0030801, OMIM 619041.

Submissions (2):

St. Jude Molecular Pathology, St. Jude Children's Research Hospital
Classification: Uncertain significance for Monosomy 7 myelodysplasia and leukemia syndrome 2. Last evaluated: 2026-02-11. Review status: criteria provided, single submitter. Criteria: St. Jude Assertion Criteria 2020. Collection method: clinical testing. Allele origin: germline.
Comment: The SAMD9 c.1742A>C p.(His581Pro) missense change is absent in gnomAD v2.1.1. The in silico tool REVEL predicts a benign effect on protein function, however in silico predictions have not been found to correlate with syndromic risk and are thus not considered supporting evidence of a pathogenic or benign effect (PMID: 34621053). To our knowledge, this variant has not been reported in individuals with SAMD9-associated conditions. In summary, the evidence currently available is insufficient to determine the clinical significance of this variant. It has therefore been classified as of uncertain significance.

Labcorp Genetics (formerly Invitae), Labcorp
Classification: Uncertain significance. Last evaluated: 2025-03-31. Review status: criteria provided, single submitter. Criteria: Invitae Variant Classification Sherloc (09022015). Collection method: clinical testing. Allele origin: germline.
Comment: This sequence change replaces histidine, which is basic and polar, with proline, which is neutral and non-polar, at codon 581 of the SAMD9 protein (p.His581Pro). This variant is not present in population databases (gnomAD no frequency). This variant has not been reported in the literature in individuals affected with SAMD9-related conditions. Invitae Evidence Modeling of protein sequence and biophysical properties (such as structural, functional, and spatial information, amino acid conservation, physicochemical variation, residue mobility, and thermodynamic stability) indicates that this missense variant is not expected to disrupt SAMD9 protein function with a negative predictive value of 95%. In summary, the available evidence is currently insufficient to determine the role of this variant in disease. Therefore, it has been classified as a Variant of Uncertain Significance.

NM_017654.4(SAMD9):c.1742A>C (p.His581Pro)

Gene: SAMD9 (sterile alpha motif domain containing 9; minus strand). Cytogenetic location: 7q21.2.
Variant type: single nucleotide variant.
Coding change: c.1742A>C on transcript NM_017654.4 (MANE Select); coding-DNA position 1742, A replaced by C.
Protein change: p.His581Pro; replaces histidine 581 with proline.
Molecular consequence: missense variant.
Genome position (GRCh38, 1-based): chr7:93,104,356, T>G on the plus strand (A>C on the coding strand, the complement: SAMD9 is on the minus strand). VCF-style: chr7-93104356-T-G. GRCh37 (hg19) VCF-style: chr7-92733669-T-G.
Other names: c.1742A>C, p.His581Pro (NM_001193307.2); short protein forms H581P.
Identifiers: ClinVar variation 4805950 (VCV004805950.2).